The following is an entry in ClinVar:

NM_000368.5(TSC1):c.-7C>T

Gene: TSC1 (TSC complex subunit 1; minus strand). Cytogenetic location: 9q34.13.
Variant type: single nucleotide variant.
Coding change: c.-7C>T on transcript NM_000368.5 (MANE Select); 7 bases upstream of the start codon, C replaced by T.
Molecular consequence: 5 prime UTR variant.
Genome position (GRCh38, 1-based): chr9:132,928,879, G>A on the plus strand (C>T on the coding strand, the complement: TSC1 is on the minus strand). VCF-style: chr9-132928879-G-A. GRCh37 (hg19) VCF-style: chr9-135804266-G-A.
Other names: c.-7C>T (NM_001162426.2, NM_001162427.2); c.-266C>T (NM_001362177.2).
Identifiers: ClinVar variation 64782 (VCV000064782.66), dbSNP rs62621221, ClinGen allele CA008216.
Genomic context (GRCh38, chr9:132,928,879, plus strand): 5'-CATGGGGGAGTCCAGCATGGCAAGAAGCTCCCCGACATTTGCTTGTTGGGCCATTCTCTC[G>A]CTCGAAGGCGCTGTGCTGGCTCCAGGACGTGTGCTACAGGTTCTGAAGGTTCTTCATTGG-3'

ClinVar aggregate classification (germline): Benign/Likely benign. Review status: criteria provided, multiple submitters, no conflicts (2 of 4 stars). 22 submissions from 21 submitters: Benign (13); Likely benign (5). 4 of the submissions do not count toward it. Last evaluated 2026-03-01.

Conditions:
Hereditary cancer-predisposing syndrome. Also called: Hereditary Cancer Syndrome; Tumor predisposition; Neoplastic Syndromes, Hereditary; Hereditary neoplastic syndrome. Identifiers: Orphanet 140162, MedGen C0027672, MeSH D009386, MONDO:0015356.
Tuberous sclerosis syndrome (TSC). Also called: Tuberous Sclerosis Complex; Tuberous sclerosis. Identifiers: Orphanet 805, MedGen C0041341, MONDO:0001734.
Isolated focal cortical dysplasia type II (FCORD2). Also called: CORTICAL DYSPLASIA OF TAYLOR; Focal cortical dysplasia type II. Identifiers: Orphanet 268994, MedGen C1846385, MONDO:0011818, OMIM 607341, HP:0032051.
Tuberous sclerosis 1 (TSC1). Identifiers: Orphanet 805, MedGen C1854465, MONDO:0008612, OMIM 191100.

Allele frequency attached by ClinVar (database versions not stated): 1000 Genomes Project 30x 0.00031; 1000 Genomes Project 0.00040; ESP Exome Variant Server 0.00062; gnomAD 0.00103 and 0.00105; TOPMed 0.00112.
gnomAD v4.1: 1,871 of 1,613,994 alleles (0.12%); highest among the groups gnomAD compares: Middle Eastern, 0.55%; 5 homozygotes.

Submissions (23):

CeGaT Center for Human Genetics Tuebingen
Classification: Likely benign. Last evaluated: 2026-03-01. Review status: criteria provided, single submitter. Criteria: CeGaT Center For Human Genetics Tuebingen Variant Classification Criteria Version 2. Collection method: clinical testing. Allele origin: germline. Affected: yes. Observed: 51 variant alleles.
Comment: TSC1: BS1

Myriad Genetics, Inc.
Classification: Benign for Tuberous sclerosis 1. Last evaluated: 2025-04-07. Review status: criteria provided, single submitter. Criteria: Myriad Autosomal Dominant, Autosomal Recessive and X-Linked Classification Criteria (2023). Collection method: clinical testing. Allele origin: unknown.
Comment: This variant is considered benign. This variant has been observed at a population frequency that is significantly greater than expected given the associated disease prevalence and penetrance. Homozygosity has been confirmed in one or more individuals. As homozygosity for pathogenic variants in this gene is generally assumed to result in embryonic lethality, this variant is unlikely to be pathogenic.

Blueprint Genetics
Classification: Likely benign. Last evaluated: 2024-11-27. Review status: criteria provided, single submitter. Criteria: ACMG Guidelines, 2015. Collection method: clinical testing. Allele origin: germline.

Department of Pathology and Laboratory Medicine, Sinai Health System
Classification: Benign for tuberous sclerosis. Last evaluated: 2023-09-22. Review status: criteria provided, single submitter. Criteria: ACMG Guidelines, 2015. Collection method: clinical testing. Allele origin: germline. Affected: yes.

KCCC/NGS Laboratory, Kuwait Cancer Control Center
Classification: Benign for Tuberous sclerosis 1. Last evaluated: 2023-07-07. Review status: criteria provided, single submitter. Criteria: ACMG Guidelines, 2015. Collection method: clinical testing. Allele origin: germline. Affected: yes.

Women's Health and Genetics/Laboratory Corporation of America, LabCorp
Classification: Benign. Last evaluated: 2022-11-03. Review status: criteria provided, single submitter. Criteria: LabCorp Variant Classification Summary - May 2015. Collection method: clinical testing. Allele origin: germline.

Color Diagnostics, LLC DBA Color Health
Classification: Benign for Tuberous sclerosis syndrome. Last evaluated: 2022-05-13. Review status: criteria provided, single submitter. Criteria: ACMG Guidelines, 2015. Collection method: clinical testing. Allele origin: germline.

Genome-Nilou Lab
Classification: Benign for Tuberous sclerosis 1. Last evaluated: 2021-11-07. Review status: criteria provided, single submitter. Criteria: ACMG Guidelines, 2015. Collection method: clinical testing. Allele origin: germline. Affected: no.

Institute for Clinical Genetics, University Hospital TU Dresden, University Hospital TU Dresden
Classification: Likely benign. Last evaluated: 2021-11-03. Review status: criteria provided, single submitter. Criteria: ACMG Guidelines, 2015. Collection method: clinical testing. Allele origin: germline.

Genetic Services Laboratory, University of Chicago
Classification: Benign. Last evaluated: 2021-04-30. Review status: criteria provided, single submitter. Criteria: ACMG Guidelines, 2015. Collection method: clinical testing. Allele origin: germline. Affected: no.

Laboratory for Molecular Medicine, Mass General Brigham Personalized Medicine
Classification: Likely benign. Last evaluated: 2018-07-03. Review status: criteria provided, single submitter. Criteria: LMM Criteria. Collection method: clinical testing. Allele origin: germline. Observed: 1 variant allele.
Comment: c.-7C>T in intron 2 of TSC1: This variant is classified as likely benign because a C>T/T>C change at this position does not diverge from the splice consensus se quence and is therefore unlikely to impact splicing. It has been identified in i n 0.1% (216/126578) of European chromosomes by the Genome Aggregation Database ( gnomAD; dbSNP rs62621221). ACMG/AMP Criteria a pplied: BP4, BP7, BS1_Supporting.

Eurofins Ntd Llc (ga)
Classification: Benign. Last evaluated: 2018-06-14. Review status: criteria provided, single submitter. Criteria: EGL ClinVar v180209 classification definitions. Collection method: clinical testing. Allele origin: germline. Observed: 1 variant allele, 1 heterozygote.

Illumina Laboratory Services, Illumina
Classification: Benign for Tuberous sclerosis 1. Last evaluated: 2018-03-06. Review status: criteria provided, single submitter. Criteria: ICSL Variant Classification Criteria 13 December 2019. Collection method: clinical testing. Allele origin: germline.
Comment: This variant was observed in the ICSL laboratory as part of a predisposition screen in an ostensibly healthy population. It had not been previously curated by ICSL or reported in the Human Gene Mutation Database (HGMD: prior to June 1st, 2018), and was therefore a candidate for classification through an automated scoring system. Utilizing variant allele frequency, disease prevalence and penetrance estimates, and inheritance mode, an automated score was calculated to assess if this variant is too frequent to cause the disease. Based on the score and internal cut-off values, a variant classified as benign is not then subjected to further curation. The score for this variant resulted in a classification of benign for this disease.

Illumina Laboratory Services, Illumina
Classification: Benign for Isolated focal cortical dysplasia type II. Last evaluated: 2018-03-06. Review status: criteria provided, single submitter. Criteria: ICSL Variant Classification Criteria 13 December 2019. Collection method: clinical testing. Allele origin: germline.
Comment: the same text as in the submission from Illumina Laboratory Services, Illumina above.

Vantari Genetics
Classification: Benign for Hereditary cancer-predisposing syndrome. Last evaluated: 2016-01-22. Review status: criteria provided, single submitter. Criteria: ACMG Guidelines, 2015. Collection method: clinical testing. Allele origin: germline.

GeneDx
Classification: Benign. Last evaluated: 2013-10-11. Review status: criteria provided, single submitter. Criteria: GeneDx Variant Classification (06012015). Collection method: clinical testing. Allele origin: germline. Affected: yes.
Comment: This variant is considered likely benign or benign based on one or more of the following criteria: it is a conservative change, it occurs at a poorly conserved position in the protein, it is predicted to be benign by multiple in silico algorithms, and/or has population frequency not consistent with disease.

Breakthrough Genomics
Classification: Likely benign. Review status: criteria provided, single submitter. Criteria: ACMG Guidelines, 2015. Collection method: not provided. Allele origin: germline. Inheritance: Autosomal dominant inheritance. Affected: yes.

PreventionGenetics, part of Exact Sciences
Classification: Benign. Review status: criteria provided, single submitter. Criteria: ACMG Guidelines, 2015. Collection method: clinical testing. Allele origin: germline.

Clinical Genetics DNA and cytogenetics Diagnostics Lab, Erasmus MC, Erasmus Medical Center
Classification: Benign. Review status: no assertion criteria provided. Collection method: clinical testing. Allele origin: germline. Affected: yes. Study: VKGL Data-share Consensus. Not counted in ClinVar's aggregate classification.

Clinical Genetics, Academic Medical Center
Classification: Likely benign. Review status: no assertion criteria provided. Collection method: clinical testing. Allele origin: germline. Affected: yes. Study: VKGL Data-share Consensus. Not counted in ClinVar's aggregate classification.

Diagnostic Laboratory, Department of Genetics, University Medical Center Groningen
Classification: Likely benign. Review status: no assertion criteria provided. Collection method: clinical testing. Allele origin: germline. Affected: yes. Study: VKGL Data-share Consensus. Not counted in ClinVar's aggregate classification.

Dr. Peter K. Rogan Lab, Western University
No classification provided (evidence only). Condition: Malignant lymphoma, large B-cell, diffuse. Review status: no classification provided. Collection method: in vitro. Allele origin: not applicable. Functional consequence: retained intron. Not counted in ClinVar's aggregate classification.

Tuberous sclerosis database (TSC1)
No classification provided. Condition: TSC. Review status: no classification provided. Criteria: Tuberous Sclerosis Database Assertion Criteria 2015. Collection method: curation. Allele origin: germline. Affected: yes. Not counted in ClinVar's aggregate classification.